The following is an entry in ClinVar:

NM_018367.7(ACER3):c.158A>G (p.Gln53Arg)

Gene: ACER3 (alkaline ceramidase 3; plus strand). Cytogenetic location: 11q13.5.
Variant type: single nucleotide variant.
Coding change: c.158A>G on transcript NM_018367.7 (MANE Select); coding-DNA position 158, A replaced by G.
Protein change: p.Gln53Arg; replaces glutamine 53 with arginine.
Molecular consequence: missense variant. On other transcripts: 5 prime UTR variant (2), intron variant (1).
Genome position (GRCh38, 1-based): chr11:76,926,611, A>G. VCF-style: chr11-76926611-A-G. GRCh37 (hg19) VCF-style: chr11-76637655-A-G.
Other names: c.-199A>G (NM_001300954.2); c.-75A>G (NM_001300955.2); c.104-32368A>G (NM_001300953.2); short protein forms Q53R.
Identifiers: ClinVar variation 1494365 (VCV001494365.6), dbSNP rs1332874842, ClinGen allele CA381980983.

ClinVar aggregate classification (germline): Uncertain significance (1 of 4 stars; one submission).

Allele frequency attached by ClinVar (database versions not stated): gnomAD exomes below 0.00001.
gnomAD v4.1: 1 of 1,608,840 alleles (0.000062%); highest among the groups gnomAD compares: Non-Finnish European, 0.000085%; no homozygotes.

Submission:

Labcorp Genetics (formerly Invitae), Labcorp
Classification: Uncertain significance. Last evaluated: 2021-12-02. Review status: criteria provided, single submitter. Criteria: Invitae Variant Classification Sherloc (09022015). Collection method: clinical testing. Allele origin: germline.
Comment: Algorithms developed to predict the effect of missense changes on protein structure and function (SIFT, PolyPhen-2, Align-GVGD) all suggest that this variant is likely to be tolerated. In summary, the available evidence is currently insufficient to determine the role of this variant in disease. Therefore, it has been classified as a Variant of Uncertain Significance. This variant has not been reported in the literature in individuals affected with ACER3-related conditions. This variant is not present in population databases (gnomAD no frequency). This sequence change replaces glutamine, which is neutral and polar, with arginine, which is basic and polar, at codon 53 of the ACER3 protein (p.Gln53Arg).